The following is an entry in ClinVar:

ClinVar aggregate classification (germline): Likely pathogenic (1 of 4 stars; one submission).

Conditions:
Hypomyelination and Congenital Cataract (HLD5). Also called: hypomyelinating leukodystrophy 5. Identifiers: Orphanet 85163, MedGen C1864663, MONDO:0012514, OMIM 610532.

Allele frequency attached by ClinVar (database versions not stated): gnomAD exomes below 0.00001; ExAC 0.00001; gnomAD 0.00002; TOPMed 0.00002; ESP Exome Variant Server 0.00008.
gnomAD v4.1: 9 of 1,592,202 alleles (0.00057%); highest among the groups gnomAD compares: Non-Finnish European, 0.00069%; no homozygotes.

Submission:

Labcorp Genetics (formerly Invitae), Labcorp
Classification: Likely pathogenic for Hypomyelination and Congenital Cataract. Last evaluated: 2021-10-02. Review status: criteria provided, single submitter. Criteria: Invitae Variant Classification Sherloc (09022015). Collection method: clinical testing. Allele origin: germline.
Comment: This sequence change affects a donor splice site in intron 9 of the FAM126A gene. It is expected to disrupt RNA splicing. Variants that disrupt the donor or acceptor splice site typically lead to a loss of protein function (PMID: 16199547), and loss-of-function variants in FAM126A are known to be pathogenic (PMID: 21911699, 22749724, 23998934). This variant is present in population databases (rs139065525, ExAC 0.002%). This variant has not been reported in the literature in individuals affected with FAM126A-related conditions. Algorithms developed to predict the effect of sequence changes on RNA splicing suggest that this variant may disrupt the consensus splice site. In summary, the currently available evidence indicates that the variant is pathogenic, but additional data are needed to prove that conclusively. Therefore, this variant has been classified as Likely Pathogenic.

Literature cited by the submitters: PubMed 16199547; PubMed 21911699; PubMed 22749724; PubMed 23998934.

NM_032581.4(HYCC1):c.831+1G>T

Gene: HYCC1 (hyccin PI4KA lipid kinase complex subunit 1; minus strand). Cytogenetic location: 7p15.3.
Variant type: single nucleotide variant.
Coding change: c.831+1G>T on transcript NM_032581.4 (MANE Select); the canonical splice donor site of the intron after coding-DNA position 831, G replaced by T.
Molecular consequence: splice donor variant.
Genome position (GRCh38, 1-based): chr7:22,961,234, C>A on the plus strand (G>T on the coding strand, the complement: HYCC1 is on the minus strand). VCF-style: chr7-22961234-C-A. GRCh37 (hg19) VCF-style: chr7-23000853-C-A.
Other names: c.831+1G>T (NM_001363467.2, NM_001363466.2).
Identifiers: ClinVar variation 1506613 (VCV001506613.6), dbSNP rs139065525, ClinGen allele CA4185908.